The following is an entry in ClinVar:

NM_201384.3(PLEC):c.3262C>G (p.Leu1088Val)

Gene: PLEC (plectin; minus strand). Cytogenetic location: 8q24.3.
Variant type: single nucleotide variant.
Coding change: c.3262C>G on transcript NM_201384.3 (MANE Select); coding-DNA position 3262, C replaced by G.
Protein change: p.Leu1088Val; replaces leucine 1088 with valine.
Molecular consequence: missense variant.
Genome position (GRCh38, 1-based): chr8:143,927,991, G>C on the plus strand (C>G on the coding strand, the complement: PLEC is on the minus strand). VCF-style: chr8-143927991-G-C. GRCh37 (hg19) VCF-style: chr8-145002159-G-C.
Other names: c.3343C>G, p.Leu1115Val (NM_000445.5); c.3220C>G, p.Leu1074Val (NM_201378.4); c.3196C>G, p.Leu1066Val (NM_201379.3); c.3673C>G, p.Leu1225Val (NM_201380.4); c.3166C>G, p.Leu1056Val (NM_201381.3); c.3262C>G, p.Leu1088Val (NM_201382.4); c.3274C>G, p.Leu1092Val (NM_201383.3); c.3343C>G (NM_000445.3); short protein forms L1074V, L1092V, L1225V, L1056V, L1066V, L1088V, L1115V.
Identifiers: ClinVar variation 538950 (VCV000538950.7), dbSNP rs782370585, ClinGen allele CA187618257.

ClinVar aggregate classification (germline): Uncertain significance. Review status: criteria provided, multiple submitters, no conflicts (2 of 4 stars). 2 submissions from 2 submitters: Uncertain significance (2). Last evaluated 2025-12-10.

Conditions:
Epidermolysis bullosa simplex with nail dystrophy (EBS5D). Identifiers: MedGen C4225309, MONDO:0014661, OMIM 616487.
Epidermolysis bullosa simplex 5B, with muscular dystrophy (EBS5B). Also called: EPIDERMOLYSIS BULLOSA SIMPLEX AND LIMB-GIRDLE MUSCULAR DYSTROPHY; Epidermolysis bullosa simplex with muscular dystrophy. Identifiers: Orphanet 257, MedGen C2931072, MONDO:0009181, OMIM 226670.
Epidermolysis bullosa simplex, Ogna type (EBS5A). Also called: Pidermolysis bullosa simplex 5A, Ogna type; EPIDERMOLYSIS BULLOSA SIMPLEX 5A, OGNA TYPE. Identifiers: Orphanet 79401, MedGen C0432317, MONDO:0007555, OMIM 131950.
Autosomal recessive limb-girdle muscular dystrophy type 2Q (LGMDR17). Also called: MUSCULAR DYSTROPHY, LIMB-GIRDLE, AUTOSOMAL RECESSIVE 17. Identifiers: Orphanet 254361, MedGen C3150989, MONDO:0013390, OMIM 613723.
Epidermolysis bullosa simplex 5C, with pyloric atresia (EBS5C). Also called: PLEC-Related Epidermolysis Bullosa with Pyloric Atresia; Epidermolysis bullosa simplex with pyloric atresia; PLEC1-Related Epidermolysis Bullosa with Pyloric Atresia. Identifiers: Orphanet 158684, MedGen C2677349, MONDO:0012807, OMIM 612138.
Inborn genetic diseases. Identifiers: MedGen C0950123, MeSH D030342.

Allele frequency attached by ClinVar (database versions not stated): gnomAD 0.00001; gnomAD exomes 0.00002; TOPMed 0.00002.
gnomAD v4.1: 26 of 1,593,156 alleles (0.0016%); highest among the groups gnomAD compares: Non-Finnish European, 0.0021%; no homozygotes.

Submissions (2):

Ambry Genetics
Classification: Uncertain significance for Inborn genetic diseases. Last evaluated: 2025-12-10. Review status: criteria provided, single submitter. Criteria: Ambry Variant Classification Scheme 2023. Collection method: clinical testing. Allele origin: germline.

Labcorp Genetics (formerly Invitae), Labcorp
Classification: Uncertain significance for Autosomal recessive limb-girdle muscular dystrophy type 2Q; Epidermolysis bullosa simplex, Ogna type; Epidermolysis bullosa simplex with nail dystrophy; Epidermolysis bullosa simplex 5C, with pyloric atresia; Epidermolysis bullosa simplex 5B, with muscular dystrophy. Last evaluated: 2025-03-31. Review status: criteria provided, single submitter. Criteria: Invitae Variant Classification Sherloc (09022015). Collection method: clinical testing. Allele origin: germline.
Comment: This sequence change replaces leucine, which is neutral and non-polar, with valine, which is neutral and non-polar, at codon 1115 of the PLEC protein (p.Leu1115Val). This variant is not present in population databases (gnomAD no frequency). This variant has not been reported in the literature in individuals affected with PLEC-related conditions. ClinVar contains an entry for this variant (Variation ID: 538950). Experimental studies and prediction algorithms are not available or were not evaluated, and the functional significance of this variant is currently unknown. In summary, the available evidence is currently insufficient to determine the role of this variant in disease. Therefore, it has been classified as a Variant of Uncertain Significance.